The following is an entry in ClinVar:

NM_012186.3(FOXE3):c.77G>A (p.Gly26Glu)

Genes: FOXE3 (forkhead box E3; plus strand), LINC01389 (long independently transcribed non-coding RNA 1389; minus strand). Cytogenetic location: 1p33.
Variant type: single nucleotide variant.
Coding change: c.77G>A on transcript NM_012186.3 (MANE Select); coding-DNA position 77, G replaced by A.
Protein change: p.Gly26Glu; replaces glycine 26 with glutamic acid.
Molecular consequence: missense variant.
Genome position (GRCh38, 1-based): chr1:47,416,392, G>A. VCF-style: chr1-47416392-G-A. GRCh37 (hg19) VCF-style: chr1-47882064-G-A.
Other names: short protein forms G26E.
Identifiers: ClinVar variation 1476428 (VCV001476428.8), dbSNP rs2124041379, ClinGen allele CA340248988.
Genomic context (GRCh38, chr1:47,416,392, plus strand): 5'-ACATGGATCCGCCCGCCGCGTTCTCTGGCTTCCCTGCCCTGCCAGCGGTCGCGCCGTCGG[G>A]GCCGCCGCCGTCGCCGCTCGCAGGAGCCGAGCCAGGGCGGGAGCCAGAGGAGGCGGCGGC-3'
Protein context (NP_036318.1, residues 16-36): FPALPAVAPS[Gly26Glu]PPPSPLAGAE

ClinVar aggregate classification (germline): Uncertain significance (1 of 4 stars; one submission).

Conditions:
Anterior segment dysgenesis. Also called: Ocular anterior segment dysgenesis. Identifiers: Orphanet 88632, MedGen C1862839, MONDO:0019503, HP:0007700.
Congenital primary aphakia. Also called: ANTERIOR SEGMENT DYSGENESIS 2; Anterior segment dysgenesis 2, multiple subtypes. Identifiers: Orphanet 83461, MedGen C1853230, MONDO:0012456, OMIM 610256.

Submission:

Labcorp Genetics (formerly Invitae), Labcorp
Classification: Uncertain significance for Anterior segment dysgenesis; Congenital primary aphakia. Last evaluated: 2023-07-16. Review status: criteria provided, single submitter. Criteria: Invitae Variant Classification Sherloc (09022015). Collection method: clinical testing. Allele origin: germline.
Comment: This variant has not been reported in the literature in individuals affected with FOXE3-related conditions. In summary, the available evidence is currently insufficient to determine the role of this variant in disease. Therefore, it has been classified as a Variant of Uncertain Significance. An algorithm developed to predict the effect of missense changes on protein structure and function (PolyPhen-2) suggests that this variant is likely to be disruptive. ClinVar contains an entry for this variant (Variation ID: 1476428). This sequence change replaces glycine, which is neutral and non-polar, with glutamic acid, which is acidic and polar, at codon 26 of the FOXE3 protein (p.Gly26Glu). This variant is not present in population databases (gnomAD no frequency).